The following is an entry in ClinVar:

ClinVar aggregate classification (germline): Uncertain significance (1 of 4 stars; one submission).

gnomAD v4.1: 1 of 1,613,412 alleles (0.000062%); no homozygotes.

Submission:

Labcorp Genetics (formerly Invitae), Labcorp
Classification: Uncertain significance. Last evaluated: 2023-05-09. Review status: criteria provided, single submitter. Criteria: Invitae Variant Classification Sherloc (09022015). Collection method: clinical testing. Allele origin: germline.
Comment: In summary, the available evidence is currently insufficient to determine the role of this variant in disease. Therefore, it has been classified as a Variant of Uncertain Significance. An algorithm developed to predict the effect of missense changes on protein structure and function (PolyPhen-2) suggests that this variant is likely to be tolerated. This variant has not been reported in the literature in individuals affected with CFH-related conditions. This variant is not present in population databases (gnomAD no frequency). This sequence change replaces valine, which is neutral and non-polar, with alanine, which is neutral and non-polar, at codon 429 of the CFH protein (p.Val429Ala).

NM_000186.4(CFH):c.1286T>C (p.Val429Ala)

Gene: CFH (complement factor H; plus strand). Cytogenetic location: 1q31.3.
Variant type: single nucleotide variant.
Coding change: c.1286T>C on transcript NM_000186.4 (MANE Select); coding-DNA position 1286, T replaced by C.
Protein change: p.Val429Ala; replaces valine 429 with alanine.
Molecular consequence: missense variant.
Genome position (GRCh38, 1-based): chr1:196,690,189, T>C. VCF-style: chr1-196690189-T-C. GRCh37 (hg19) VCF-style: chr1-196659319-T-C.
Other names: c.1286T>C, p.Val429Ala (NM_001014975.3); short protein forms V429A.
Identifiers: ClinVar variation 3001161 (VCV003001161.3), dbSNP rs2529388959, ClinGen allele CA343980775.